The following is an entry in ClinVar:

ClinVar aggregate classification (germline): Uncertain significance. Review status: criteria provided, multiple submitters, no conflicts (2 of 4 stars). 3 submissions from 3 submitters: Uncertain significance (3). Last evaluated 2025-05-07.

Conditions:
Cohen syndrome (COH1). Also called: PEPPER SYNDROME; Cutis verticis gyrata, retinitis pigmentosa, and sensorineural deafness. Identifiers: Orphanet 193, MedGen C0265223, MONDO:0008999, OMIM 216550.
VPS13B-related disorder. Also called: VPS13B-related condition.
Inborn genetic diseases. Identifiers: MedGen C0950123, MeSH D030342.

Allele frequency attached by ClinVar (database versions not stated): TOPMed below 0.00001; gnomAD exomes 0.00001; gnomAD 0.00003; ExAC 0.00004; 1000 Genomes Project 30x 0.00016; 1000 Genomes Project 0.00020.
gnomAD v4.1: 7 of 1,614,080 alleles (0.00043%); highest among the groups gnomAD compares: East Asian, 0.016%; no homozygotes.

Submissions (3):

PreventionGenetics, part of Exact Sciences
Classification: Uncertain significance for VPS13B-related condition. Last evaluated: 2025-05-07. Review status: criteria provided, single submitter. Criteria: ACMG Guidelines, 2015. Collection method: clinical testing. Allele origin: germline.
Comment: The VPS13B c.9827A>G variant is predicted to result in the amino acid substitution p.Tyr3276Cys. To our knowledge, this variant has not been reported in the literature. This variant is reported in 0.045% of alleles in individuals of East Asian descent in gnomAD. At this time, the clinical significance of this variant is uncertain due to the absence of conclusive functional and genetic evidence.

Ambry Genetics
Classification: Uncertain significance for Inborn genetic diseases. Last evaluated: 2022-09-07. Review status: criteria provided, single submitter. Criteria: Ambry Variant Classification Scheme 2023. Collection method: clinical testing. Allele origin: germline.

Labcorp Genetics (formerly Invitae), Labcorp
Classification: Uncertain significance for Cohen syndrome. Last evaluated: 2022-03-07. Review status: criteria provided, single submitter. Criteria: Invitae Variant Classification Sherloc (09022015). Collection method: clinical testing. Allele origin: germline.
Comment: This sequence change replaces tyrosine, which is neutral and polar, with cysteine, which is neutral and slightly polar, at codon 3301 of the VPS13B protein (p.Tyr3301Cys). This variant is present in population databases (rs563162284, gnomAD 0.03%). This variant has not been reported in the literature in individuals affected with VPS13B-related conditions. Algorithms developed to predict the effect of missense changes on protein structure and function are either unavailable or do not agree on the potential impact of this missense change (SIFT: "Not Available"; PolyPhen-2: "Possibly Damaging"; Align-GVGD: "Not Available"). In summary, the available evidence is currently insufficient to determine the role of this variant in disease. Therefore, it has been classified as a Variant of Uncertain Significance.

NM_152564.5(VPS13B):c.9827A>G (p.Tyr3276Cys)

Gene: VPS13B (vacuolar protein sorting 13 homolog B; plus strand). Cytogenetic location: 8q22.2.
Variant type: single nucleotide variant.
Coding change: c.9827A>G on transcript NM_152564.5 (MANE Select); coding-DNA position 9827, A replaced by G.
Protein change: p.Tyr3276Cys; replaces tyrosine 3276 with cysteine.
Molecular consequence: missense variant.
Genome position (GRCh38, 1-based): chr8:99,835,623, A>G. VCF-style: chr8-99835623-A-G. GRCh37 (hg19) VCF-style: chr8-100847851-A-G.
Other names: c.9902A>G, p.Tyr3301Cys (NM_017890.5); c.9902A>G (NM_017890.3); short protein forms Y3276C, Y3301C.
Identifiers: ClinVar variation 2199790 (VCV002199790.3), dbSNP rs563162284, ClinGen allele CA4824808.
Genomic context (GRCh38, chr8:99,835,623, plus strand): 5'-GCAAAAAAATTCCCTCCGAGTGCTCAATTCATCATGAGCTGTATCATCAGATTTCCAGTT[A>G]TCCGGACTGCAAGACCAAAGACTTACTTCCAAGCCTACTTTTGAGAGTTGAACCTCTAGA-3'
Protein context (NP_689777.3, residues 3266-3286): HHELYHQISS[Tyr3276Cys]PDCKTKDLLP